The following is an entry in ClinVar:

ClinVar aggregate classification (germline): Likely pathogenic (1 of 4 stars; one submission).

Conditions:
Pyruvate carboxylase deficiency. Also called: ATAXIA WITH LACTIC ACIDOSIS II; LEIGH NECROTIZING ENCEPHALOPATHY DUE TO PYRUVATE CARBOXYLASE DEFICIENCY; LEIGH SYNDROME DUE TO PYRUVATE CARBOXYLASE DEFICIENCY; PC DEFICIENCY; Pyruvate Carboxylase Deficiency Disease. Identifiers: Orphanet 3008, MedGen C0034341, MONDO:0009949, OMIM 266150.

Submission:

Myriad Genetics, Inc.
Classification: Likely pathogenic for Pyruvate carboxylase deficiency. Last evaluated: 2022-03-31. Review status: criteria provided, single submitter. Criteria: Myriad Women's Health Autosomal Recessive and X-Linked Classification Criteria (2021). Collection method: clinical testing. Allele origin: unknown.
Comment: NM_000920.3(PC):c.220C>T(Q74*) is expected to be pathogenic in the context of pyruvate carboxylase deficiency. This variant is predicted to lead to an abnormal or absent protein product due to the creation of a premature termination codon in PC, a gene where loss-of-function variants are known to be pathogenic. Please note: this variant was assessed in the context of healthy population screening.

NM_001040716.2(PC):c.220C>T (p.Gln74Ter)

Gene: PC (pyruvate carboxylase; minus strand). Cytogenetic location: 11q13.2.
Variant type: single nucleotide variant.
Coding change: c.220C>T on transcript NM_001040716.2 (MANE Select); coding-DNA position 220, C replaced by T.
Protein change: p.Gln74Ter; replaces glutamine 74 with a stop codon.
Molecular consequence: nonsense.
Genome position (GRCh38, 1-based): chr11:66,871,788, G>A on the plus strand (C>T on the coding strand, the complement: PC is on the minus strand). VCF-style: chr11-66871788-G-A. GRCh37 (hg19) VCF-style: chr11-66639259-G-A.
Other names: c.220C>T, p.Gln74Ter (NM_000920.4, NM_022172.3); short protein forms Q74*.
Identifiers: ClinVar variation 1725696 (VCV001725696.2), dbSNP rs2495799331, ClinGen allele CA381502933.